The following is an entry in ClinVar:

ClinVar aggregate classification (germline): Uncertain significance (1 of 4 stars; one submission).

Conditions:
Autosomal dominant centronuclear myopathy. Also called: MYOTUBULAR MYOPATHY, AUTOSOMAL DOMINANT; Myopathy, centronuclear, 3. Identifiers: Orphanet 169189, MedGen C4551952, MeSH D020914, MONDO:0008048, OMIM 160150.

Allele frequency attached by ClinVar (database versions not stated): TOPMed below 0.00001.

Submission:

Labcorp Genetics (formerly Invitae), Labcorp
Classification: Uncertain significance for Autosomal dominant centronuclear myopathy. Last evaluated: 2024-10-18. Review status: criteria provided, single submitter. Criteria: Invitae Variant Classification Sherloc (09022015). Collection method: clinical testing. Allele origin: germline.
Comment: This sequence change replaces glutamine, which is neutral and polar, with histidine, which is basic and polar, at codon 153 of the MYF6 protein (p.Gln153His). This variant is not present in population databases (gnomAD no frequency). This variant has not been reported in the literature in individuals affected with MYF6-related conditions. ClinVar contains an entry for this variant (Variation ID: 835823). Invitae Evidence Modeling of protein sequence and biophysical properties (such as structural, functional, and spatial information, amino acid conservation, physicochemical variation, residue mobility, and thermodynamic stability) indicates that this missense variant is not expected to disrupt MYF6 protein function with a negative predictive value of 80%. In summary, the available evidence is currently insufficient to determine the role of this variant in disease. Therefore, it has been classified as a Variant of Uncertain Significance.

NM_002469.3(MYF6):c.459G>C (p.Gln153His)

Gene: MYF6 (myogenic factor 6; plus strand). Cytogenetic location: 12q21.31.
Variant type: single nucleotide variant.
Coding change: c.459G>C on transcript NM_002469.3 (MANE Select); coding-DNA position 459, G replaced by C.
Protein change: p.Gln153His; replaces glutamine 153 with histidine.
Molecular consequence: missense variant.
Genome position (GRCh38, 1-based): chr12:80,708,178, G>C. VCF-style: chr12-80708178-G-C. GRCh37 (hg19) VCF-style: chr12-81101957-G-C.
Other names: short protein forms Q153H.
Identifiers: ClinVar variation 835823 (VCV000835823.11), dbSNP rs1868399214, ClinGen allele CA385864078.